The following is an entry in ClinVar:

ClinVar aggregate classification (germline): Pathogenic. Review status: criteria provided, single submitter (1 of 4 stars). 2 submissions from 2 submitters: Pathogenic (1). 1 of the submissions does not count toward it. Last evaluated 2024-02-23.

Conditions:
Glycogen storage disease IXa2 (GSD9A2). Also called: GSD IXa2. Identifiers: MedGen C2748941, MONDO:0100439.
Glycogen storage disease IXa1. Also called: Glycogen storage disease 8; LIVER GLYCOGENOSIS, X-LINKED, TYPE I; GLYCOGEN STORAGE DISEASE VIII; GSD VIII. Identifiers: Orphanet 264580, MedGen C3694531, MONDO:0010598, OMIM 306000.

Submissions (2):

Labcorp Genetics (formerly Invitae), Labcorp
Classification: Pathogenic for Glycogen storage disease IXa1. Last evaluated: 2024-02-23. Review status: criteria provided, single submitter. Criteria: Invitae Variant Classification Sherloc (09022015). Collection method: clinical testing. Allele origin: germline.
Comment: This sequence change replaces threonine, which is neutral and polar, with isoleucine, which is neutral and non-polar, at codon 1114 of the PHKA2 protein (p.Thr1114Ile). This variant is not present in population databases (gnomAD no frequency). This missense change has been observed in individuals with X-linked liver glycogenosis and a glycogen storage disease and hepatomegaly (PMID: 8733133, 33763395; Invitae). It has also been observed to segregate with disease in related individuals. ClinVar contains an entry for this variant (Variation ID: 10533). Advanced modeling of protein sequence and biophysical properties (such as structural, functional, and spatial information, amino acid conservation, physicochemical variation, residue mobility, and thermodynamic stability) performed at Invitae indicates that this missense variant is expected to disrupt PHKA2 protein function with a positive predictive value of 80%. For these reasons, this variant has been classified as Pathogenic.

OMIM
Classification: Pathogenic for GLYCOGEN STORAGE DISEASE, TYPE IXa2. Last evaluated: 1996-05-01. Review status: no assertion criteria provided. Collection method: literature only. Allele origin: germline. Not counted in ClinVar's aggregate classification.

Literature cited by the submitters: PubMed 8733133 (cited by Labcorp Genetics (formerly Invitae), Labcorp and OMIM); PubMed 33763395 (cited by Labcorp Genetics (formerly Invitae), Labcorp).

NM_000292.3(PHKA2):c.3341C>T (p.Thr1114Ile)

Genes: PHKA2-AS1 (PHKA2 antisense RNA 1; plus strand), PHKA2 (phosphorylase kinase regulatory subunit alpha 2; minus strand). Cytogenetic location: Xp22.13.
Variant type: single nucleotide variant.
Coding change: c.3341C>T on transcript NM_000292.3 (MANE Select); coding-DNA position 3341, C replaced by T.
Protein change: p.Thr1114Ile; replaces threonine 1114 with isoleucine.
Molecular consequence: missense variant. On other transcripts: non-coding transcript variant (1).
Genome position (GRCh38, 1-based): chrX:18,894,400, G>A on the plus strand (C>T on the coding strand, the complement: PHKA2 is on the minus strand). VCF-style: chrX-18894400-G-A. GRCh37 (hg19) VCF-style: chrX-18912518-G-A.
Other names: short protein forms T1114I.
Identifiers: ClinVar variation 10533 (VCV000010533.8), dbSNP rs137852293, ClinGen allele CA121109.